The following is an entry in ClinVar:

NM_000321.3(RB1):c.1421+18_1421+38del

Gene: RB1 (RB transcriptional corepressor 1; plus strand). Cytogenetic location: 13q14.2.
Variant type: Deletion.
Coding change: c.1421+18_1421+38del on transcript NM_000321.3 (MANE Select); bases 18 to 38 of the intron after coding-DNA position 1421, 21 bases deleted (AGTAAAAAATTTTTTTCTTTT).
Molecular consequence: intron variant.
Genome position (GRCh38, 1-based): chr13:48,380,102-48,380,122, AGTAAAAAATTTTTTTCTTTT deleted; deleting any 21 consecutive bases within chr13:48,380,097-48,380,122 gives the same sequence; the c. name uses the placement nearest the transcript's 3' end. VCF-style (leftmost placement, unchanged base first): chr13-48380096-ACTTTTAGTAAAAAATTTTTTT-A. GRCh37 (hg19) VCF-style: chr13-48954232-ACTTTTAGTAAAAAATTTTTTT-A.
Other names: c.1421+18_1421+38del (NM_001407165.1, NM_001407166.1).
Identifiers: ClinVar variation 3430846 (VCV003430846.1).

ClinVar aggregate classification (germline): Likely pathogenic (1 of 4 stars; one submission).

Conditions:
Hereditary cancer-predisposing syndrome. Also called: Neoplastic Syndromes, Hereditary; Tumor predisposition; Hereditary Cancer Syndrome; Hereditary neoplastic syndrome. Identifiers: Orphanet 140162, MedGen C0027672, MeSH D009386, MONDO:0015356.

Submission:

Ambry Genetics
Classification: Likely pathogenic for Hereditary cancer-predisposing syndrome. Last evaluated: 2024-09-04. Review status: criteria provided, single submitter. Criteria: Ambry Variant Classification Scheme 2023. Collection method: clinical testing. Allele origin: germline.
Comment: The c.1421+18_1421+38del21 intronic variant, located in intron 15 of the RB1 gene, results from a deletion of 21 nucleotides within intron 15 of the RB1 gene. This variant was reported in multiple individuals with features consistent with RB1-associated disease (Ambry internal data; Houdayer C et al. Hum Mutat, 2004 Feb;23:193-202; Taylor M et al. Hum Mutat, 2007 Mar;28:284-93). Of note, this variant is described as g.76938_76958del21 in the literature. In silico splice site analysis predicts that this alteration may weaken the native splice donor site. RNA studies have demonstrated that this alteration results in abnormal splicing in the set of samples tested (Ambry internal data). Based on the majority of available evidence to date, this variant is likely to be pathogenic.

Literature cited by the submitters: PubMed 14722923; PubMed 17096365.